The following is an entry in ClinVar:

ClinVar aggregate classification (germline): Likely pathogenic (1 of 4 stars; one submission).

Conditions:
Primary ciliary dyskinesia. Also called: Ciliary dyskinesia. Identifiers: Orphanet 244, MedGen C0008780, MONDO:0016575, HP:0012265.

Allele frequency attached by ClinVar (database versions not stated): gnomAD exomes below 0.00001.
gnomAD v4.1: 5 of 1,611,826 alleles (0.00031%); highest among the groups gnomAD compares: Non-Finnish European, 0.00042%; no homozygotes.

Submission:

Labcorp Genetics (formerly Invitae), Labcorp
Classification: Likely pathogenic for Primary ciliary dyskinesia. Last evaluated: 2022-12-16. Review status: criteria provided, single submitter. Criteria: Invitae Variant Classification Sherloc (09022015). Collection method: clinical testing. Allele origin: germline.
Comment: This sequence change affects an acceptor splice site in intron 10 of the DNAI1 gene. It is expected to disrupt RNA splicing. Variants that disrupt the donor or acceptor splice site typically lead to a loss of protein function (PMID: 16199547), and loss-of-function variants in DNAI1 are known to be pathogenic (PMID: 16858015, 29363216). This variant is not present in population databases (gnomAD no frequency). This variant has not been reported in the literature in individuals affected with DNAI1-related conditions. ClinVar contains an entry for this variant (Variation ID: 1488923). Algorithms developed to predict the effect of sequence changes on RNA splicing suggest that this variant may disrupt the consensus splice site. In summary, the currently available evidence indicates that the variant is pathogenic, but additional data are needed to prove that conclusively. Therefore, this variant has been classified as Likely Pathogenic.

Literature cited by the submitters: PubMed 16199547; PubMed 16858015; PubMed 29363216.

NM_012144.4(DNAI1):c.902-2A>G

Gene: DNAI1 (dynein axonemal intermediate chain 1; plus strand). Cytogenetic location: 9p13.3.
Variant type: single nucleotide variant.
Coding change: c.902-2A>G on transcript NM_012144.4 (MANE Select); the canonical splice acceptor site of the intron before coding-DNA position 902, A replaced by G.
Molecular consequence: splice acceptor variant.
Genome position (GRCh38, 1-based): chr9:34,500,720, A>G. VCF-style: chr9-34500720-A-G. GRCh37 (hg19) VCF-style: chr9-34500718-A-G.
Other names: c.914-2A>G (NM_001281428.2).
Identifiers: ClinVar variation 1488923 (VCV001488923.8), dbSNP rs2132071947, ClinGen allele CA373252981.